The following is an entry in ClinVar:

ClinVar aggregate classification (germline): Uncertain significance (1 of 4 stars; one submission).

Allele frequency attached by ClinVar (database versions not stated): TOPMed below 0.00001.

Submission:

Women's Health and Genetics/Laboratory Corporation of America, LabCorp
Classification: Uncertain significance. Last evaluated: 2024-12-24. Review status: criteria provided, single submitter. Criteria: LabCorp Variant Classification Summary - May 2015. Collection method: clinical testing. Allele origin: germline.
Comment: Variant summary: ATP6V1B2 c.961C>T (p.Arg321X) results in a premature termination codon, predicted to cause absence of the protein due to nonsense mediated decay, however current evidence is not sufficient to establish loss of function as a mechanism for disease. The variant was absent in 250262 control chromosomes. The available data on variant occurrences in the general population are insufficient to allow any conclusion about variant significance. To our knowledge, no occurrence of c.961C>T in individuals affected with ATP6V1B2-Related Disorders and no experimental evidence demonstrating its impact on protein function have been reported. ClinVar contains an entry for this variant (Variation ID: 2637488). Based on the evidence outlined above, the variant was classified as uncertain significance.

NM_001693.4(ATP6V1B2):c.961C>T (p.Arg321Ter)

Gene: ATP6V1B2 (ATPase H+ transporting V1 subunit B2; plus strand). Cytogenetic location: 8p21.3.
Variant type: single nucleotide variant.
Coding change: c.961C>T on transcript NM_001693.4 (MANE Select); coding-DNA position 961, C replaced by T.
Protein change: p.Arg321Ter; replaces arginine 321 with a stop codon.
Molecular consequence: nonsense.
Genome position (GRCh38, 1-based): chr8:20,214,851, C>T. VCF-style: chr8-20214851-C-T. GRCh37 (hg19) VCF-style: chr8-20072362-C-T.
Other names: short protein forms R321*.
Identifiers: ClinVar variation 2637488 (VCV002637488.2), dbSNP rs1334807861, ClinGen allele CA370472785.